The following is an entry in ClinVar:

NM_001113378.2(FANCI):c.3515C>T (p.Thr1172Ile)

Gene: FANCI (FA complementation group I; plus strand). Cytogenetic location: 15q26.1.
Variant type: single nucleotide variant.
Coding change: c.3515C>T on transcript NM_001113378.2 (MANE Select); coding-DNA position 3515, C replaced by T.
Protein change: p.Thr1172Ile; replaces threonine 1172 with isoleucine.
Molecular consequence: missense variant.
Genome position (GRCh38, 1-based): chr15:89,306,172, C>T. VCF-style: chr15-89306172-C-T. GRCh37 (hg19) VCF-style: chr15-89849403-C-T.
Other names: c.3236C>T, p.Thr1079Ile (NM_001376910.1); c.3515C>T, p.Thr1172Ile (NM_001376911.1); c.3335C>T, p.Thr1112Ile (NM_018193.3); short protein forms T1172I, T1079I, T1112I.
Identifiers: ClinVar variation 953954 (VCV000953954.9), dbSNP rs552222011, ClinGen allele CA7723737.

ClinVar aggregate classification (germline): Conflicting classifications of pathogenicity. Review status: criteria provided, conflicting classifications (1 of 4 stars). 2 submissions from 2 submitters: Uncertain significance (1); Likely benign (1). Last evaluated 2025-10-17.

Conditions:
Fanconi anemia (FA). Also called: Fanconi's anemia. Identifiers: Orphanet 84, MedGen C0015625, MeSH D005199, MONDO:0019391.

Allele frequency attached by ClinVar (database versions not stated): gnomAD 0.00001 and 0.00003; gnomAD exomes 0.00001 and 0.00004; ExAC 0.00002; TOPMed 0.00004; 1000 Genomes Project 30x 0.00016; 1000 Genomes Project 0.00020.
gnomAD v4.1: 20 of 1,614,194 alleles (0.0012%); highest among the groups gnomAD compares: East Asian, 0.027%; no homozygotes.

Submissions (2):

Labcorp Genetics (formerly Invitae), Labcorp
Classification: Uncertain significance for Fanconi anemia. Last evaluated: 2025-10-17. Review status: criteria provided, single submitter. Criteria: Invitae Variant Classification Sherloc (09022015). Collection method: clinical testing. Allele origin: germline.
Comment: This sequence change replaces threonine, which is neutral and polar, with isoleucine, which is neutral and non-polar, at codon 1172 of the FANCI protein (p.Thr1172Ile). This variant is present in population databases (rs552222011, gnomAD 0.05%). This variant has not been reported in the literature in individuals affected with FANCI-related conditions. ClinVar contains an entry for this variant (Variation ID: 953954). Invitae Evidence Modeling of protein sequence and biophysical properties (such as structural, functional, and spatial information, amino acid conservation, physicochemical variation, residue mobility, and thermodynamic stability) indicates that this missense variant is not expected to disrupt FANCI protein function with a negative predictive value of 80%. In summary, the available evidence is currently insufficient to determine the role of this variant in disease. Therefore, it has been classified as a Variant of Uncertain Significance.

Blueprint Genetics
Classification: Likely benign. Last evaluated: 2021-11-01. Review status: criteria provided, single submitter. Criteria: ACMG Guidelines, 2015. Collection method: clinical testing. Allele origin: germline.